The following is an entry in ClinVar:

NM_000742.4(CHRNA2):c.298G>A (p.Glu100Lys)

Gene: CHRNA2 (cholinergic receptor nicotinic alpha 2 subunit; minus strand). Cytogenetic location: 8p21.2.
Variant type: single nucleotide variant.
Coding change: c.298G>A on transcript NM_000742.4 (MANE Select); coding-DNA position 298, G replaced by A.
Protein change: p.Glu100Lys; replaces glutamic acid 100 with lysine.
Molecular consequence: missense variant. On other transcripts: 5 prime UTR variant (4).
Genome position (GRCh38, 1-based): chr8:27,469,376, C>T on the plus strand (G>A on the coding strand, the complement: CHRNA2 is on the minus strand). VCF-style: chr8-27469376-C-T. GRCh37 (hg19) VCF-style: chr8-27326893-C-T.
Other names: c.253G>A, p.Glu85Lys (NM_001282455.2); c.-175G>A (NM_001347705.2, NM_001347706.2); c.-161G>A (NM_001347707.2); c.-164G>A (NM_001347708.2); short protein forms E100K, E85K.
Identifiers: ClinVar variation 1978131 (VCV001978131.5), dbSNP rs1192897019, ClinGen allele CA370812798.

ClinVar aggregate classification (germline): Uncertain significance (1 of 4 stars; one submission).

Conditions:
Familial sleep-related hypermotor epilepsy. Also called: Autosomal Dominant Sleep-Related Hypermotor (Hyperkinetic) Epilepsy. Identifiers: Orphanet 98784, MedGen C3696898, MONDO:0000030.

Submission:

Labcorp Genetics (formerly Invitae), Labcorp
Classification: Uncertain significance. Last evaluated: 2022-01-27. Review status: criteria provided, single submitter. Criteria: Invitae Variant Classification Sherloc (09022015). Collection method: clinical testing. Allele origin: germline.
Comment: In summary, the available evidence is currently insufficient to determine the role of this variant in disease. Therefore, it has been classified as a Variant of Uncertain Significance. Algorithms developed to predict the effect of missense changes on protein structure and function are either unavailable or do not agree on the potential impact of this missense change (SIFT: "Tolerated"; PolyPhen-2: "Probably Damaging"; Align-GVGD: "Class C0"). This variant has not been reported in the literature in individuals affected with CHRNA2-related conditions. This variant is not present in population databases (gnomAD no frequency). This sequence change replaces glutamic acid, which is acidic and polar, with lysine, which is basic and polar, at codon 100 of the CHRNA2 protein (p.Glu100Lys).